The following is an entry in ClinVar:

ClinVar aggregate classification (germline): Benign/Likely benign. Review status: criteria provided, multiple submitters, no conflicts (2 of 4 stars). 2 submissions from 2 submitters: Benign (1); Likely benign (1). Last evaluated 2024-10-01.

Conditions:
Familial cancer of breast. Also called: BREAST CANCER, FAMILIAL; Hereditary breast cancer; hereditary breast carcinoma. Identifiers: Orphanet 227535, MedGen C0346153, MONDO:0016419, OMIM 114480. Disease mechanism: loss of function.
Hereditary cancer-predisposing syndrome. Also called: Neoplastic Syndromes, Hereditary; Tumor predisposition; Hereditary neoplastic syndrome; Hereditary Cancer Syndrome. Identifiers: Orphanet 140162, MedGen C0027672, MeSH D009386, MONDO:0015356.

Submissions (2):

Myriad Genetics, Inc.
Classification: Benign for Familial cancer of breast. Last evaluated: 2024-10-01. Review status: criteria provided, single submitter. Criteria: Myriad Autosomal Dominant, Autosomal Recessive and X-Linked Classification Criteria (2023). Collection method: clinical testing. Allele origin: unknown.
Comment: This variant is considered benign. This variant is a silent/synonymous amino acid change and it is not expected to impact splicing.

Ambry Genetics
Classification: Likely benign for Hereditary cancer-predisposing syndrome. Last evaluated: 2018-11-30. Review status: criteria provided, single submitter. Criteria: Ambry Variant Classification Scheme 2023. Collection method: clinical testing. Allele origin: germline.

NM_007194.4(CHEK2):c.57A>G (p.Ser19=)

Gene: CHEK2 (checkpoint kinase 2; minus strand). Cytogenetic location: 22q12.1.
Variant type: single nucleotide variant.
Coding change: c.57A>G on transcript NM_007194.4 (MANE Select); coding-DNA position 57, A replaced by G.
Protein change: p.Ser19=; no amino-acid change (serine 19 retained).
Molecular consequence: synonymous variant.
Genome position (GRCh38, 1-based): chr22:28,734,665, T>C on the plus strand (A>G on the coding strand, the complement: CHEK2 is on the minus strand). VCF-style: chr22-28734665-T-C. GRCh37 (hg19) VCF-style: chr22-29130653-T-C.
Other names: c.57A>G, p.Ser19= (NM_001005735.3, NM_001349956.3, NM_145862.3); c.-721A>G (NM_001257387.3).
Identifiers: ClinVar variation 825979 (VCV000825979.5), dbSNP rs1601853913, ClinGen allele CA513946635.